The following is an entry in ClinVar:

NM_001083926.2(ASRGL1):c.492-7325G>A

Gene: ASRGL1 (asparaginase and isoaspartyl peptidase 1; plus strand). Cytogenetic location: 11q12.3.
Variant type: single nucleotide variant.
Coding change: c.492-7325G>A on transcript NM_001083926.2 (MANE Select); 7325 bases into the intron before coding-DNA position 492, G replaced by A.
Molecular consequence: intron variant.
Genome position (GRCh38, 1-based): chr11:62,381,808, G>A. VCF-style: chr11-62381808-G-A. GRCh37 (hg19) VCF-style: chr11-62149280-G-A.
Other names: c.492-7325G>A (NM_025080.4).
Identifiers: ClinVar variation 2641846 (VCV002641846.24), dbSNP rs560202567, ClinGen allele CA223030290.

ClinVar aggregate classification (germline): Likely benign (1 of 4 stars; one submission).

Allele frequency attached by ClinVar (database versions not stated): 1000 Genomes Project 30x 0.00078; 1000 Genomes Project 0.00080; TOPMed 0.00384; gnomAD 0.00420; gnomAD exomes 0.00549.
gnomAD v4.1: 632 of 152,272 alleles (0.42%); highest among the groups gnomAD compares: Non-Finnish European, 0.73%; 4 homozygotes.

Submission:

CeGaT Center for Human Genetics Tuebingen
Classification: Likely benign. Last evaluated: 2023-01-01. Review status: criteria provided, single submitter. Criteria: CeGaT Center For Human Genetics Tuebingen Variant Classification Criteria Version 2. Collection method: clinical testing. Allele origin: germline. Affected: yes. Observed: 1 variant allele.
Comment: ASRGL1: BS2